The following is an entry in ClinVar:

NM_020461.4(TUBGCP6):c.5196C>T (p.Pro1732=)

Gene: TUBGCP6 (tubulin gamma complex component 6; minus strand). Cytogenetic location: 22q13.33.
Variant type: single nucleotide variant.
Coding change: c.5196C>T on transcript NM_020461.4 (MANE Select); coding-DNA position 5196, C replaced by T.
Protein change: p.Pro1732=; no amino-acid change (proline 1732 retained).
Molecular consequence: synonymous variant.
Genome position (GRCh38, 1-based): chr22:50,218,090, G>A on the plus strand (C>T on the coding strand, the complement: TUBGCP6 is on the minus strand). VCF-style: chr22-50218090-G-A. GRCh37 (hg19) VCF-style: chr22-50656519-G-A.
Identifiers: ClinVar variation 1565299 (VCV001565299.32), dbSNP rs760712292, ClinGen allele CA10307124.

ClinVar aggregate classification (germline): Likely benign. Review status: criteria provided, multiple submitters, no conflicts (2 of 4 stars). 3 submissions from 3 submitters: Likely benign (3). Last evaluated 2025-12-11.

Allele frequency attached by ClinVar (database versions not stated): gnomAD 0.00001 and 0.00002; gnomAD exomes 0.00003 and 0.00004; ExAC 0.00004; TOPMed 0.00004.
gnomAD v4.1: 42 of 1,612,854 alleles (0.0026%); highest among the groups gnomAD compares: South Asian, 0.019%; no homozygotes.

Submissions (3):

Labcorp Genetics (formerly Invitae), Labcorp
Classification: Likely benign. Last evaluated: 2025-12-11. Review status: criteria provided, single submitter. Criteria: Invitae Variant Classification Sherloc (09022015). Collection method: clinical testing. Allele origin: germline.

Blueprint Genetics
Classification: Likely benign. Last evaluated: 2024-10-25. Review status: criteria provided, single submitter. Criteria: ACMG Guidelines, 2015. Collection method: clinical testing. Allele origin: germline.

CeGaT Center for Human Genetics Tuebingen
Classification: Likely benign. Last evaluated: 2022-07-01. Review status: criteria provided, single submitter. Criteria: CeGaT Center For Human Genetics Tuebingen Variant Classification Criteria Version 2. Collection method: clinical testing. Allele origin: germline. Affected: yes. Observed: 1 variant allele.
Comment: TUBGCP6: BP4, BP7